The following is an entry in ClinVar:

ClinVar aggregate classification (germline): Uncertain significance (1 of 4 stars; one submission).

Submission:

GeneDx
Classification: Uncertain significance. Last evaluated: 2022-12-14. Review status: criteria provided, single submitter. Criteria: GeneDx Variant Classification Process June 2021. Collection method: clinical testing. Allele origin: germline. Affected: yes.
Comment: Not observed at significant frequency in large population cohorts (gnomAD); In silico analysis supports that this missense variant has a deleterious effect on protein structure/function; Has not been previously published as pathogenic or benign to our knowledge

NM_000441.2(SLC26A4):c.664G>T (p.Gly222Cys)

Gene: SLC26A4 (solute carrier family 26 member 4; plus strand). Cytogenetic location: 7q22.3.
Variant type: single nucleotide variant.
Coding change: c.664G>T on transcript NM_000441.2 (MANE Select); coding-DNA position 664, G replaced by T.
Protein change: p.Gly222Cys; replaces glycine 222 with cysteine.
Molecular consequence: missense variant.
Genome position (GRCh38, 1-based): chr7:107,675,008, G>T. VCF-style: chr7-107675008-G-T. GRCh37 (hg19) VCF-style: chr7-107315453-G-T.
Other names: short protein forms G222C.
Identifiers: ClinVar variation 2505981 (VCV002505981.1), dbSNP rs2535297494, ClinGen allele CA368831354.